The following is an entry in ClinVar:

NM_001999.4(FBN2):c.1156A>G (p.Met386Val)

Gene: FBN2 (fibrillin 2; minus strand). Cytogenetic location: 5q23.3.
Variant type: single nucleotide variant.
Coding change: c.1156A>G on transcript NM_001999.4 (MANE Select); coding-DNA position 1156, A replaced by G.
Protein change: p.Met386Val; replaces methionine 386 with valine.
Molecular consequence: missense variant.
Genome position (GRCh38, 1-based): chr5:128,395,197, T>C on the plus strand (A>G on the coding strand, the complement: FBN2 is on the minus strand). VCF-style: chr5-128395197-T-C. GRCh37 (hg19) VCF-style: chr5-127730890-T-C.
Other names: short protein forms M386V.
Identifiers: ClinVar variation 2721188 (VCV002721188.3), dbSNP rs2479443542, ClinGen allele CA360750752.

ClinVar aggregate classification (germline): Uncertain significance (1 of 4 stars; one submission).

Conditions:
Congenital contractural arachnodactyly (CCA). Also called: BEALS SYNDROME; Arthrogryposis, distal, type 9; Beals-Hecht syndrome. Identifiers: Orphanet 115, MedGen C0220668, MONDO:0007363, OMIM 121050.

Allele frequency attached by ClinVar (database versions not stated): gnomAD exomes below 0.00001.
gnomAD v4.1: 1 of 1,614,082 alleles (0.000062%); highest among the groups gnomAD compares: Non-Finnish European, 0.000085%; no homozygotes.

Submission:

Labcorp Genetics (formerly Invitae), Labcorp
Classification: Uncertain significance for Congenital contractural arachnodactyly. Last evaluated: 2023-06-05. Review status: criteria provided, single submitter. Criteria: Invitae Variant Classification Sherloc (09022015). Collection method: clinical testing. Allele origin: germline.
Comment: In summary, the available evidence is currently insufficient to determine the role of this variant in disease. Therefore, it has been classified as a Variant of Uncertain Significance. Advanced modeling of protein sequence and biophysical properties (such as structural, functional, and spatial information, amino acid conservation, physicochemical variation, residue mobility, and thermodynamic stability) performed at Invitae indicates that this missense variant is not expected to disrupt FBN2 protein function. This variant has not been reported in the literature in individuals affected with FBN2-related conditions. This variant is not present in population databases (gnomAD no frequency). This sequence change replaces methionine, which is neutral and non-polar, with valine, which is neutral and non-polar, at codon 386 of the FBN2 protein (p.Met386Val).